The following is an entry in ClinVar:

NM_001004334.4(GPR179):c.3680A>G (p.Lys1227Arg)

Gene: GPR179 (G protein-coupled receptor 179; minus strand). Cytogenetic location: 17q12.
Variant type: single nucleotide variant.
Coding change: c.3680A>G on transcript NM_001004334.4 (MANE Select); coding-DNA position 3680, A replaced by G.
Protein change: p.Lys1227Arg; replaces lysine 1227 with arginine.
Molecular consequence: missense variant.
Genome position (GRCh38, 1-based): chr17:38,329,889, T>C on the plus strand (A>G on the coding strand, the complement: GPR179 is on the minus strand). VCF-style: chr17-38329889-T-C. GRCh37 (hg19) VCF-style: chr17-36485772-T-C.
Other names: short protein forms K1227R.
Identifiers: ClinVar variation 891007 (VCV000891007.13), dbSNP rs138451517, ClinGen allele CA290104881.
Genomic context (GRCh38, chr17:38,329,889, plus strand): 5'-TCCCAGGGGCATACCTCTGCCACCCTGTGGTCAGCGCTGCCCAGGGACTGGAGGCCAGCT[T>C]TGGGCAGTTCCTGCCACCCGACAGGGGTTTCTTTTGATTGCTTGATGTTTTTGTCCCTGG-3'
Protein context (NP_001004334.3, residues 1217-1237): ETPVGWQELP[Lys1227Arg]AGLQSLGSAD

ClinVar aggregate classification (germline): Benign. Review status: criteria provided, multiple submitters, no conflicts (2 of 4 stars). 3 submissions from 3 submitters: Benign (3). Last evaluated 2026-01-26.

Conditions:
Congenital stationary night blindness 1E. Also called: Night blindness, congenital stationary (complete), 1E, autosomal recessive. Identifiers: Orphanet 215, MedGen C3281215, MONDO:0013807, OMIM 614565.

Allele frequency attached by ClinVar (database versions not stated): 1000 Genomes Project 0.00599; 1000 Genomes Project 30x 0.00640; ExAC 0.00934; gnomAD exomes 0.01063 and 0.01661; TOPMed 0.01164; gnomAD 0.01183 and 0.01226; ESP Exome Variant Server 0.01327.
gnomAD v4.1: 25,948 of 1,614,172 alleles (1.6%); highest among the groups gnomAD compares: Non-Finnish European, 2%; 248 homozygotes.

Submissions (3):

Labcorp Genetics (formerly Invitae), Labcorp
Classification: Benign. Last evaluated: 2026-01-26. Review status: criteria provided, single submitter. Criteria: Invitae Variant Classification Sherloc (09022015). Collection method: clinical testing. Allele origin: germline.

Illumina Laboratory Services, Illumina
Classification: Benign for Congenital stationary night blindness 1E. Last evaluated: 2018-01-13. Review status: criteria provided, single submitter. Criteria: ICSL Variant Classification Criteria 13 December 2019. Collection method: clinical testing. Allele origin: germline.
Comment: This variant was observed in the ICSL laboratory as part of a predisposition screen in an ostensibly healthy population. It had not been previously curated by ICSL or reported in the Human Gene Mutation Database (HGMD: prior to June 1st, 2018), and was therefore a candidate for classification through an automated scoring system. Utilizing variant allele frequency, disease prevalence and penetrance estimates, and inheritance mode, an automated score was calculated to assess if this variant is too frequent to cause the disease. Based on the score and internal cut-off values, a variant classified as benign is not then subjected to further curation. The score for this variant resulted in a classification of benign for this disease.

Breakthrough Genomics
Classification: Benign. Review status: criteria provided, single submitter. Criteria: ACMG Guidelines, 2015. Collection method: not provided. Allele origin: germline. Inheritance: Autosomal recessive inheritance. Affected: yes.